The following is an entry in ClinVar:

NM_033004.4(NLRP1):c.1216C>T (p.Leu406Phe)

Gene: NLRP1 (NLR family pyrin domain containing 1; minus strand). Cytogenetic location: 17p13.2.
Variant type: single nucleotide variant.
Coding change: c.1216C>T on transcript NM_033004.4 (MANE Select); coding-DNA position 1216, C replaced by T.
Protein change: p.Leu406Phe; replaces leucine 406 with phenylalanine.
Molecular consequence: missense variant.
Genome position (GRCh38, 1-based): chr17:5,559,480, G>A on the plus strand (C>T on the coding strand, the complement: NLRP1 is on the minus strand). VCF-style: chr17-5559480-G-A. GRCh37 (hg19) VCF-style: chr17-5462800-G-A.
Other names: c.1216C>T, p.Leu406Phe (NM_001033053.3, NM_014922.5, NM_033006.4 and 1 more transcripts); short protein forms L406F.
Identifiers: ClinVar variation 1387879 (VCV001387879.6), dbSNP rs746030331, ClinGen allele CA397386528.

ClinVar aggregate classification (germline): Uncertain significance (1 of 4 stars; one submission).

Submission:

Labcorp Genetics (formerly Invitae), Labcorp
Classification: Uncertain significance. Last evaluated: 2021-10-19. Review status: criteria provided, single submitter. Criteria: Invitae Variant Classification Sherloc (09022015). Collection method: clinical testing. Allele origin: germline.
Comment: In summary, the available evidence is currently insufficient to determine the role of this variant in disease. Therefore, it has been classified as a Variant of Uncertain Significance. Algorithms developed to predict the effect of missense changes on protein structure and function are either unavailable or do not agree on the potential impact of this missense change (SIFT: "Deleterious"; PolyPhen-2: "Probably Damaging"; Align-GVGD: "Class C15"). This variant has not been reported in the literature in individuals affected with NLRP1-related conditions. This variant is not present in population databases (ExAC no frequency). This sequence change replaces leucine with phenylalanine at codon 406 of the NLRP1 protein (p.Leu406Phe). The leucine residue is highly conserved and there is a small physicochemical difference between leucine and phenylalanine.